The following is an entry in ClinVar:

NM_005228.5(EGFR):c.571G>A (p.Asp191Asn)

Gene: EGFR (epidermal growth factor receptor; plus strand). Cytogenetic location: 7p11.2.
Variant type: single nucleotide variant.
Coding change: c.571G>A on transcript NM_005228.5 (MANE Select); coding-DNA position 571, G replaced by A.
Protein change: p.Asp191Asn; replaces aspartic acid 191 with asparagine.
Molecular consequence: missense variant. On other transcripts: intron variant (1).
Genome position (GRCh38, 1-based): chr7:55,151,305, G>A. VCF-style: chr7-55151305-G-A. GRCh37 (hg19) VCF-style: chr7-55218998-G-A.
Other names: c.436G>A, p.Asp146Asn (NM_001346897.2, NM_001346899.2); c.571G>A, p.Asp191Asn (NM_001346898.2, NM_201282.2, NM_201283.2 and 1 more transcripts); c.412G>A, p.Asp138Asn (NM_001346900.2); c.89-4525G>A (NM_001346941.2); short protein forms D138N, D146N, D191N.
Identifiers: ClinVar variation 2874263 (VCV002874263.3), dbSNP rs1785138534, ClinGen allele CA367576805.
Genomic context (GRCh38, chr7:55,151,305, plus strand): 5'-GTTTCTCATCATTTCACTGAGATATGCATCTATTACTTTTACATTTCAGGCCAAAAGTGT[G>A]ATCCAAGCTGTCCCAATGGGAGCTGCTGGGGTGCAGGAGAGGAGAACTGCCAGAAACGTA-3'
Protein context (NP_005219.2, residues 181-201): QNHLGSCQKC[Asp191Asn]PSCPNGSCWG

ClinVar aggregate classification (germline): Uncertain significance (1 of 4 stars; one submission).

Conditions:
EGFR-related lung cancer (EGFR). Identifiers: MedGen CN130014.

Allele frequency attached by ClinVar (database versions not stated): TOPMed below 0.00001; gnomAD 0.00001.

Submission:

Labcorp Genetics (formerly Invitae), Labcorp
Classification: Uncertain significance for EGFR-related lung cancer. Last evaluated: 2025-04-23. Review status: criteria provided, single submitter. Criteria: Invitae Variant Classification Sherloc (09022015). Collection method: clinical testing. Allele origin: germline.
Comment: This sequence change replaces aspartic acid, which is acidic and polar, with asparagine, which is neutral and polar, at codon 191 of the EGFR protein (p.Asp191Asn). This variant is not present in population databases (gnomAD no frequency). This variant has not been reported in the literature in individuals affected with EGFR-related conditions. ClinVar contains an entry for this variant (Variation ID: 2874263). Invitae Evidence Modeling of protein sequence and biophysical properties (such as structural, functional, and spatial information, amino acid conservation, physicochemical variation, residue mobility, and thermodynamic stability) indicates that this missense variant is not expected to disrupt EGFR protein function with a negative predictive value of 80%. In summary, the available evidence is currently insufficient to determine the role of this variant in disease. Therefore, it has been classified as a Variant of Uncertain Significance.